The following is an entry in ClinVar:

NM_177550.5(SLC13A5):c.1705T>C (p.Ter569Gln)

Gene: SLC13A5 (solute carrier family 13 member 5; minus strand). Cytogenetic location: 17p13.1.
Variant type: single nucleotide variant.
Coding change: c.1705T>C on transcript NM_177550.5 (MANE Select); coding-DNA position 1705, T replaced by C.
Protein change: p.Ter569Gln.
Molecular consequence: stop lost.
Genome position (GRCh38, 1-based): chr17:6,686,209, A>G on the plus strand (T>C on the coding strand, the complement: SLC13A5 is on the minus strand). VCF-style: chr17-6686209-A-G. GRCh37 (hg19) VCF-style: chr17-6589528-A-G.
Other names: c.1567T>C, p.Ter523Gln (NM_001143838.3); c.1654T>C, p.Ter552Gln (NM_001284509.2); c.1576T>C, p.Ter526Gln (NM_001284510.2).
Identifiers: ClinVar variation 1508416 (VCV001508416.6), dbSNP rs2150960732, ClinGen allele CA397736711.

ClinVar aggregate classification (germline): Uncertain significance (1 of 4 stars; one submission).

Conditions:
Developmental and epileptic encephalopathy, 25 (DEE25). Also called: Epileptic encephalopathy, early infantile, 25; Developmental and epileptic encephalopathy 25, with amelogenesis imperfecta; Epileptic encephalopathy, early infantile, 25, with amelogenesis imperfecta. Identifiers: Orphanet 442835, MedGen C4014621, MONDO:0014392, OMIM 615905.

Submission:

Labcorp Genetics (formerly Invitae), Labcorp
Classification: Uncertain significance for Developmental and epileptic encephalopathy, 25. Last evaluated: 2022-08-31. Review status: criteria provided, single submitter. Criteria: Invitae Variant Classification Sherloc (09022015). Collection method: clinical testing. Allele origin: germline.
Comment: ClinVar contains an entry for this variant (Variation ID: 1508416). In summary, the available evidence is currently insufficient to determine the role of this variant in disease. Therefore, it has been classified as a Variant of Uncertain Significance. Experimental studies and prediction algorithms are not available or were not evaluated, and the functional significance of this variant is currently unknown. This variant has not been reported in the literature in individuals affected with SLC13A5-related conditions. This variant is not present in population databases (gnomAD no frequency). This sequence change disrupts the translational stop signal of the SLC13A5 mRNA. It is expected to extend the length of the SLC13A5 protein by 174 additional amino acid residues.